The following is an entry in ClinVar:

ClinVar aggregate classification (germline): Likely pathogenic. Review status: criteria provided, multiple submitters, no conflicts (2 of 4 stars). 4 submissions from 4 submitters: Likely pathogenic (3). 1 of the submissions does not count toward it. Last evaluated 2025-07-27.

Conditions:
Familial hemophagocytic lymphohistiocytosis (FHL). Also called: Hereditary hemophagocytic lymphohistiocytosis; Familial erythrophagocytic lymphohistiocytosis; Familial histiocytic reticulosis. Identifiers: Orphanet 158038, Orphanet 540, MedGen C0272199, MONDO:0015541.
Familial hemophagocytic lymphohistiocytosis 3 (FHL3). Also called: UNC13D-Related Familial Hemophagocytic Lymphohistiocytosis (UNC13D-fHLH). Identifiers: Orphanet 540, MedGen C1837174, MONDO:0012146, OMIM 608898.
UNC13D-related disorder. Also called: UNC13D-related condition.

Submissions (4):

Labcorp Genetics (formerly Invitae), Labcorp
Classification: Likely pathogenic for Familial hemophagocytic lymphohistiocytosis 3. Last evaluated: 2025-07-27. Review status: criteria provided, single submitter. Criteria: Invitae Variant Classification Sherloc (09022015). Collection method: clinical testing. Allele origin: germline.
Comment: This sequence change creates a premature translational stop signal (p.Asn1050Thrfs*22) in the UNC13D gene. While this is not anticipated to result in nonsense mediated decay, it is expected to disrupt the last 41 amino acid(s) of the UNC13D protein. This variant is present in population databases (no rsID available, gnomAD 0.004%). This premature translational stop signal has been observed in individual(s) with clinical features of UNC13D-related conditions (internal data). In at least one individual the data is consistent with being in trans (on the opposite chromosome) from a pathogenic variant. ClinVar contains an entry for this variant (Variation ID: 1476113). This variant disrupts the C-terminus of the UNC13D protein. Other variant(s) that disrupt this region (p.R1065*) have been observed in individuals with UNC13D-related conditions (PMID: 16278825, 32542393). This suggests that this may be a clinically significant region of the protein. In summary, the currently available evidence indicates that the variant is pathogenic, but additional data are needed to prove that conclusively. Therefore, this variant has been classified as Likely Pathogenic.

Women's Health and Genetics/Laboratory Corporation of America, LabCorp
Classification: Likely pathogenic for Familial hemophagocytic lymphohistiocytosis. Last evaluated: 2024-09-10. Review status: criteria provided, single submitter. Criteria: LabCorp Variant Classification Summary - May 2015. Collection method: clinical testing. Allele origin: germline.
Comment: Variant summary: UNC13D c.3147delC (p.Asn1050ThrfsX22) results in a premature termination codon, predicted to cause a truncation of the encoded protein or absence of the protein. The variant allele was found at a frequency of 1.4e-05 in 142612 control chromosomes. c.3147delC has (reported as MUNC13-4 c.3147delC) been reported in the literature in at-least one individual affected with Familial Hemophagocytic Lymphohistiocytosis (example: Zhang_2007). To our knowledge, no experimental evidence demonstrating an impact on protein function has been reported. The following publication has been ascertained in the context of this evaluation (PMID: 17627755). ClinVar contains an entry for this variant (Variation ID: 1476113). Based on the evidence outlined above, the variant was classified as likely pathogenic.

Fulgent Genetics
Classification: Likely pathogenic for Familial hemophagocytic lymphohistiocytosis 3. Last evaluated: 2024-02-06. Review status: criteria provided, single submitter. Criteria: ACMG Guidelines, 2015. Collection method: clinical testing. Allele origin: germline.

PreventionGenetics, part of Exact Sciences
Classification: Likely pathogenic for UNC13D-related condition. Last evaluated: 2024-06-10. Review status: no assertion criteria provided. Collection method: clinical testing. Allele origin: germline. Not counted in ClinVar's aggregate classification.
Comment: The UNC13D c.3147delC variant is predicted to result in a frameshift and premature protein termination (p.Asn1050Thrfs*22). To our knowledge, this variant has not been reported in the literature. This variant is reported in 0.0038% of alleles in individuals of European (Non-Finnish) descent in gnomAD. Frameshift variants in UNC13D are expected to be pathogenic. This variant is interpreted as likely pathogenic.

Literature cited by the submitters: PubMed 16278825 (cited by Labcorp Genetics (formerly Invitae), Labcorp); PubMed 32542393 (cited by Labcorp Genetics (formerly Invitae), Labcorp); PubMed 17627755 (cited by Women's Health and Genetics/Laboratory Corporation of America, LabCorp).

NM_199242.3(UNC13D):c.3147del (p.Asn1050fs)

Gene: UNC13D (unc-13 homolog D; minus strand). Cytogenetic location: 17q25.1.
Variant type: Deletion.
Coding change: c.3147del on transcript NM_199242.3 (MANE Select); coding-DNA position 3147, one base deleted (C; older notation c.3147delC).
Protein change: p.Asn1050fs; shifts the reading frame from asparagine 1050.
Molecular consequence: frameshift variant.
Genome position (GRCh38, 1-based): chr17:75,828,791, G deleted on the plus strand (C on the coding strand, the reverse complement: UNC13D is on the minus strand); the first of 3 consecutive G bases (chr17:75,828,791-75,828,793); deleting any one gives the same sequence. VCF-style (leftmost placement, unchanged base first): chr17-75828790-TG-T. GRCh37 (hg19) VCF-style: chr17-73824871-TG-T.
Other names: c.3147delC (NM_199242.3); short protein forms N1050fs.
Identifiers: ClinVar variation 1476113 (VCV001476113.9), dbSNP rs1048876742, ClinGen allele CA294084261.
Genomic context (GRCh38, chr17:75,828,790, plus strand): 5'-TGCCTGAGCTTTACAGGCTCCCGTCCCCGCACCACCCTGCCCTGGGCTCAGGCCTACCGT[TG>T]GGTGCGGGGTACGTGAGGGGCAGGCGGGTCTGAGGCACCTCACCAGGCTCCTCAGAGCCA-3'